The following is an entry in ClinVar:

NM_000540.3(RYR1):c.7144G>A (p.Glu2382Lys)

Gene: RYR1 (ryanodine receptor 1; plus strand). Cytogenetic location: 19q13.2.
Variant type: single nucleotide variant.
Coding change: c.7144G>A on transcript NM_000540.3 (MANE Select); coding-DNA position 7144, G replaced by A.
Protein change: p.Glu2382Lys; replaces glutamic acid 2382 with lysine.
Molecular consequence: missense variant.
Genome position (GRCh38, 1-based): chr19:38,499,751, G>A. VCF-style: chr19-38499751-G-A. GRCh37 (hg19) VCF-style: chr19-38990391-G-A.
Other names: c.7144G>A, p.Glu2382Lys (NM_001042723.2); short protein forms E2382K.
Identifiers: ClinVar variation 3072398 (VCV003072398.1), dbSNP rs1437518287, ClinGen allele CA082339.
Genomic context (GRCh38, chr19:38,499,751, plus strand): 5'-GAGTGCTTCGGACCCGCCCTGCGGGGTGAGGGTGGCTCAGGGCTGCTGGCTGCCATCGAA[G>A]AGGCCATCCGCATCTCCGAGGACCCTGCGAGGGATGGCCCAGGCATCCGCAGGGACCGGC-3'
Protein context (NP_000531.2, residues 2372-2392): GGSGLLAAIE[Glu2382Lys]AIRISEDPAR

ClinVar aggregate classification (germline): Uncertain significance (1 of 4 stars; one submission).

Conditions:
Malignant hyperthermia, susceptibility to, 1 (MHS1). Also called: Anesthesia related hyperthermia; Malignant hyperpyrexia; Fulminating hyperpyrexia; Pharmacogenic myopathy; RYR1-Related Malignant Hyperthermia Susceptibility; Malignant hyperthermia suceptibility 1. Identifiers: Orphanet 423, MedGen C2930980, MONDO:0007783, OMIM 145600.

Allele frequency attached by ClinVar (database versions not stated): TOPMed below 0.00001.
gnomAD v4.1: 2 of 1,602,058 alleles (0.00012%); highest among the groups gnomAD compares: African/African-American, 0.0013%; no homozygotes.

Submission:

All of Us Research Program, National Institutes of Health
Classification: Uncertain significance for Malignant hyperthermia, susceptibility to, 1. Last evaluated: 2023-07-10. Review status: criteria provided, single submitter. Criteria: ACMG Guidelines, 2015. Collection method: clinical testing. Allele origin: germline. Inheritance: Autosomal dominant inheritance. Observed: 1 variant allele, 1 heterozygote.
Comment: This missense variant replaces glutamic acid with lysine at codon 2382 of the RYR1 protein. Computational prediction suggests that this variant may have deleterious impact on protein structure and function (internally defined REVEL score threshold >= 0.7, PMID: 27666373). To our knowledge, functional studies have not been reported for this variant. This variant has not been reported in individuals affected with RYR1-related disorders in the literature. This variant has not been identified in the general population by the Genome Aggregation Database (gnomAD). The available evidence is insufficient to determine the role of this variant in disease conclusively. Therefore, this variant is classified as a Variant of Uncertain Significance.

This study involves interpretation of variants in research participants for the purpose of population health screening. Participant phenotype was not available at the time of variant classification. Additional details can be found in publication PMID: 35346344, PMCID: PMC8962531